The following is an entry in ClinVar:

NM_006493.4(CLN5):c.987T>G (p.Tyr329Ter)

Gene: CLN5 (CLN5 lysosomal BMP synthase; plus strand). Cytogenetic location: 13q22.3.
Variant type: single nucleotide variant.
Coding change: c.987T>G on transcript NM_006493.4 (MANE Select); coding-DNA position 987, T replaced by G.
Protein change: p.Tyr329Ter; replaces tyrosine 329 with a stop codon.
Molecular consequence: nonsense. On other transcripts: 3 prime UTR variant (1).
Genome position (GRCh38, 1-based): chr13:77,000,879, T>G. VCF-style: chr13-77000879-T-G. GRCh37 (hg19) VCF-style: chr13-77575014-T-G.
Other names: c.*436T>G (NM_001366624.2); short protein forms Y329*.
Identifiers: ClinVar variation 1454025 (VCV001454025.9), dbSNP rs2034349886, ClinGen allele CA388314648.

ClinVar aggregate classification (germline): Pathogenic/Likely pathogenic. Review status: criteria provided, multiple submitters, no conflicts (2 of 4 stars). 2 submissions from 2 submitters: Pathogenic (1); Likely pathogenic (1). Last evaluated 2023-04-13.

Conditions:
Neuronal ceroid lipofuscinosis. Also called: Neuronal Ceroid Lipofuscinoses. Identifiers: Orphanet 216, Orphanet 79263, MedGen C0027877, MONDO:0016295. Disease mechanism: loss of function.
Neuronal ceroid lipofuscinosis 5 (CLN5). Also called: Neuronal ceroid lipofuscinosis Finnish variant; NEURONAL CEROID LIPOFUSCINOSIS, LATE INFANTILE, FINNISH VARIANT; CEROID LIPOFUSCINOSIS, NEURONAL, 5, VARIABLE AGE AT ONSET; CLN5-Related Neuronal Ceroid-Lipofuscinosis. Identifiers: Orphanet 168491, Orphanet 228360, MedGen C1850442, MONDO:0009745, OMIM 256731.

Allele frequency attached by ClinVar (database versions not stated): gnomAD exomes 0.00001.
gnomAD v4.1: 11 of 1,593,730 alleles (0.00069%); highest among the groups gnomAD compares: Non-Finnish European, 0.00094%; no homozygotes.

Submissions (2):

Baylor Genetics
Classification: Likely pathogenic for Neuronal ceroid lipofuscinosis 5. Last evaluated: 2023-04-13. Review status: criteria provided, single submitter. Criteria: ACMG Guidelines, 2015. Collection method: clinical testing. Allele origin: unknown.

Labcorp Genetics (formerly Invitae), Labcorp
Classification: Pathogenic for Neuronal ceroid lipofuscinosis. Last evaluated: 2023-02-08. Review status: criteria provided, single submitter. Criteria: Invitae Variant Classification Sherloc (09022015). Collection method: clinical testing. Allele origin: germline.
Comment: This variant is not present in population databases (gnomAD no frequency). This sequence change creates a premature translational stop signal (p.Tyr378*) in the CLN5 gene. While this is not anticipated to result in nonsense mediated decay, it is expected to disrupt the last 30 amino acid(s) of the CLN5 protein. This variant has not been reported in the literature in individuals affected with CLN5-related conditions. For these reasons, this variant has been classified as Pathogenic. This variant disrupts a region of the CLN5 protein in which other variant(s) (p.Tyr392*) have been determined to be pathogenic (PMID: 9662406, 11971870, 20052765). This suggests that this is a clinically significant region of the protein, and that variants that disrupt it are likely to be disease-causing. ClinVar contains an entry for this variant (Variation ID: 1454025).

Literature cited by the submitters: PubMed 9662406 (cited by Labcorp Genetics (formerly Invitae), Labcorp); PubMed 11971870 (cited by Labcorp Genetics (formerly Invitae), Labcorp); PubMed 20052765 (cited by Labcorp Genetics (formerly Invitae), Labcorp).